The following is an entry in ClinVar:

NM_000937.5(POLR2A):c.1735_1751dup (p.Pro584_Leu585insSerTer)

Gene: POLR2A (RNA polymerase II subunit A; plus strand). Cytogenetic location: 17p13.1.
Variant type: Duplication.
Coding change: c.1735_1751dup on transcript NM_000937.5 (MANE Select); coding-DNA positions 1735 to 1751, 17 bases duplicated (ATCCTAAAGCCCCGGCC).
Protein change: p.Pro584_Leu585insSerTer.
Molecular consequence: nonsense.
Genome position (GRCh38, 1-based): chr17:7,500,702-7,500,718, ATCCTAAAGCCCCGGCC duplicated; duplicating any 17 consecutive bases within chr17:7,500,696-7,500,718 gives the same sequence; the c. name uses the placement nearest the transcript's 3' end. VCF-style (leftmost placement, unchanged base first): chr17-7500695-G-GCCGGCCATCCTAAAGCC. GRCh37 (hg19) VCF-style: chr17-7404014-G-GCCGGCCATCCTAAAGCC.
Identifiers: ClinVar variation 3774751 (VCV003774751.1).

ClinVar aggregate classification (germline): Uncertain significance (1 of 4 stars; one submission).

Submission:

GeneDx
Classification: Uncertain significance. Last evaluated: 2024-09-29. Review status: criteria provided, single submitter. Criteria: GeneDx Variant Classification Process June 2021. Collection method: clinical testing. Allele origin: germline. Affected: yes.
Comment: Not observed at significant frequency in large population cohorts (gnomAD); Frameshift variant predicted to result in protein truncation or nonsense mediated decay in a gene or region of a gene for which loss of function is not a well-established mechanism of disease; Has not been previously published as pathogenic or benign to our knowledge